The following is an entry in ClinVar:

ClinVar aggregate classification (germline): Likely pathogenic (1 of 4 stars; one submission).

Conditions:
Amyotrophic lateral sclerosis type 1 (ALS1). Also called: AMYOTROPHIC LATERAL SCLEROSIS 1, FAMILIAL. Identifiers: Orphanet 803, MedGen C1862939, MONDO:0007103, OMIM 105400.

Submission:

Labcorp Genetics (formerly Invitae), Labcorp
Classification: Likely pathogenic for Amyotrophic lateral sclerosis type 1. Last evaluated: 2022-05-27. Review status: criteria provided, single submitter. Criteria: Invitae Variant Classification Sherloc (09022015). Collection method: clinical testing. Allele origin: germline.
Comment: In summary, the currently available evidence indicates that the variant is pathogenic, but additional data are needed to prove that conclusively. Therefore, this variant has been classified as Likely Pathogenic. This variant disrupts the p.Ala146 amino acid residue in SOD1. Other variant(s) that disrupt this residue have been determined to be pathogenic (PMID: 7496169, 14506936, 22292843). This suggests that this residue is clinically significant, and that variants that disrupt this residue are likely to be disease-causing. Algorithms developed to predict the effect of sequence changes on RNA splicing suggest that this variant may create or strengthen a splice site. Advanced modeling of protein sequence and biophysical properties (such as structural, functional, and spatial information, amino acid conservation, physicochemical variation, residue mobility, and thermodynamic stability) performed at Invitae indicates that this missense variant is expected to disrupt SOD1 protein function. This missense change has been observed in individual(s) with autosomal dominant amyotrophic lateral sclerosis (Invitae). This variant is not present in population databases (gnomAD no frequency). This sequence change replaces alanine, which is neutral and non-polar, with valine, which is neutral and non-polar, at codon 146 of the SOD1 protein (p.Ala146Val).

Literature cited by the submitters: PubMed 7496169; PubMed 14506936; PubMed 22292843.

NM_000454.5(SOD1):c.437C>T (p.Ala146Val)

Gene: SOD1 (superoxide dismutase 1; plus strand). Cytogenetic location: 21q22.11.
Variant type: single nucleotide variant.
Coding change: c.437C>T on transcript NM_000454.5 (MANE Select); coding-DNA position 437, C replaced by T.
Protein change: p.Ala146Val; replaces alanine 146 with valine.
Molecular consequence: missense variant.
Genome position (GRCh38, 1-based): chr21:31,668,550, C>T. VCF-style: chr21-31668550-C-T. GRCh37 (hg19) VCF-style: chr21-33040863-C-T.
Other names: short protein forms A146V.
Identifiers: ClinVar variation 1475411 (VCV001475411.6), dbSNP rs1131690781, ClinGen allele CA410037803.